The following is an entry in ClinVar:

ClinVar aggregate classification (germline): Uncertain significance. Review status: criteria provided, single submitter (1 of 4 stars). 2 submissions from 2 submitters: Uncertain significance (1). 1 of the submissions does not count toward it. Last evaluated 2025-08-22.

Conditions:
Inborn genetic diseases. Identifiers: MedGen C0950123, MeSH D030342.
FREM1-related disorder. Also called: FREM1-Related Disorders; FREM1-related condition.

gnomAD v4.1: 32 of 1,613,502 alleles (0.002%); highest among the groups gnomAD compares: South Asian, 0.015%; no homozygotes.

Submissions (2):

Ambry Genetics
Classification: Uncertain significance for Inborn genetic diseases. Last evaluated: 2025-08-22. Review status: criteria provided, single submitter. Criteria: Ambry Variant Classification Scheme 2023. Collection method: clinical testing. Allele origin: germline.

PreventionGenetics, part of Exact Sciences
Classification: Uncertain significance for FREM1-related condition. Last evaluated: 2024-08-26. Review status: no assertion criteria provided. Collection method: clinical testing. Allele origin: germline. Not counted in ClinVar's aggregate classification.
Comment: The FREM1 c.736C>T variant is predicted to result in the amino acid substitution p.Arg246Cys. To our knowledge, this variant has not been reported in the literature. This variant is reported in 0.013% of alleles in individuals of South Asian descent in gnomAD. At this time, the clinical significance of this variant is uncertain due to the absence of conclusive functional and genetic evidence.

NM_001379081.2(FREM1):c.736C>T (p.Arg246Cys)

Gene: FREM1 (FRAS1 related extracellular matrix 1; minus strand). Cytogenetic location: 9p22.3.
Variant type: single nucleotide variant.
Coding change: c.736C>T on transcript NM_001379081.2 (MANE Select); coding-DNA position 736, C replaced by T.
Protein change: p.Arg246Cys; replaces arginine 246 with cysteine.
Molecular consequence: missense variant. On other transcripts: non-coding transcript variant (4).
Genome position (GRCh38, 1-based): chr9:14,857,645, G>A on the plus strand (C>T on the coding strand, the complement: FREM1 is on the minus strand). VCF-style: chr9-14857645-G-A. GRCh37 (hg19) VCF-style: chr9-14857643-G-A.
Other names: c.763C>T, p.Arg255Cys (NM_001370060.1); c.736C>T, p.Arg246Cys (NM_001370063.1, NM_001370065.1, NM_144966.7); short protein forms R246C, R255C.
Identifiers: ClinVar variation 3351425 (VCV003351425.2).
Genomic context (GRCh38, chr9:14,857,645, plus strand): 5'-GGTCCAGTTGGATGGAGATATAATCAATGTTGGGTGAAGGGGGATCCAGATGCTGATAAC[G>A]AAGGCCCATCAGCAGGAACTCCTCACAGCTCACTTTGAGGCTTCCTATTTTCTTTAATCC-3'
Protein context (NP_001366010.1, residues 236-256): SCEEFLLMGL[Arg246Cys]YQHLDPPSPN